The following is an entry in ClinVar:

NM_024334.3(TMEM43):c.970A>G (p.Asn324Asp)

Gene: TMEM43 (transmembrane protein 43; plus strand). Cytogenetic location: 3p25.1.
Variant type: single nucleotide variant.
Coding change: c.970A>G on transcript NM_024334.3 (MANE Select); coding-DNA position 970, A replaced by G.
Protein change: p.Asn324Asp; replaces asparagine 324 with aspartic acid.
Molecular consequence: missense variant.
Genome position (GRCh38, 1-based): chr3:14,139,267, A>G. VCF-style: chr3-14139267-A-G. GRCh37 (hg19) VCF-style: chr3-14180767-A-G.
Other names: short protein forms N324D.
Identifiers: ClinVar variation 926343 (VCV000926343.16), dbSNP rs1365389365, ClinGen allele CA351536266.

ClinVar aggregate classification (germline): Conflicting classifications of pathogenicity. Review status: criteria provided, conflicting classifications (1 of 4 stars). 4 submissions from 4 submitters: Uncertain significance (3); Likely benign (1). Last evaluated 2024-12-30.

Conditions:
Cardiovascular phenotype. Identifiers: MedGen CN230736.
Arrhythmogenic right ventricular dysplasia 5. Also called: Arrhythmogenic Right Ventricular Dysplasia/Cardiomyopathy 5; ARRHYTHMOGENIC RIGHT VENTRICULAR DYSPLASIA, FAMILIAL, 5. Identifiers: MedGen C1858379, MONDO:0011459, OMIM 604400.
Cardiomyopathy (CMYO). Also called: Cardiomyopathies. Identifiers: Orphanet 167848, MedGen C0878544, MONDO:0004994, HP:0001638. Inheritance: Various modes of inheritance.
TMEM43-related disorder. Also called: TMEM43-related condition.

Allele frequency attached by ClinVar (database versions not stated): gnomAD exomes below 0.00001.
gnomAD v4.1: 5 of 1,614,046 alleles (0.00031%); highest among the groups gnomAD compares: Non-Finnish European, 0.00042%; no homozygotes.

Submissions (4):

Ambry Genetics
Classification: Likely benign for Cardiovascular phenotype. Last evaluated: 2024-12-30. Review status: criteria provided, single submitter. Criteria: Ambry Variant Classification Scheme 2023. Collection method: clinical testing. Allele origin: germline.

Color Diagnostics, LLC DBA Color Health
Classification: Uncertain significance for Cardiomyopathy. Last evaluated: 2024-03-06. Review status: criteria provided, single submitter. Criteria: ACMG Guidelines, 2015. Collection method: clinical testing. Allele origin: germline.
Comment: This missense variant replaces asparagine with aspartic acid at codon 324 of the TMEM43 protein. Computational prediction suggests that this variant may not impact protein structure and function (internally defined REVEL score threshold <= 0.5, PMID: 27666373). To our knowledge, functional studies have not been reported for this variant. This variant has not been reported in individuals affected with cardiovascular disorders in the literature. This variant has been identified in 1/251462 chromosomes in the general population by the Genome Aggregation Database (gnomAD). The available evidence is insufficient to determine the role of this variant in disease conclusively. Therefore, this variant is classified as a Variant of Uncertain Significance.

PreventionGenetics, part of Exact Sciences
Classification: Uncertain significance for TMEM43-related condition. Last evaluated: 2022-08-24. Review status: criteria provided, single submitter. Criteria: ACMG Guidelines, 2015. Collection method: clinical testing. Allele origin: germline.
Comment: The TMEM43 c.970A>G variant is predicted to result in the amino acid substitution p.Asn324Asp. To our knowledge, this variant has not been reported in the literature. This variant is reported in 0.00088% of alleles in individuals of European (Non-Finnish) descent in gnomAD. At this time, the clinical significance of this variant is uncertain due to the absence of conclusive functional and genetic evidence.

Labcorp Genetics (formerly Invitae), Labcorp
Classification: Uncertain significance for Arrhythmogenic right ventricular dysplasia 5. Last evaluated: 2020-01-23. Review status: criteria provided, single submitter. Criteria: Invitae Variant Classification Sherloc (09022015). Collection method: clinical testing. Allele origin: germline.
Comment: This variant is not present in population databases (ExAC no frequency). This sequence change replaces asparagine with aspartic acid at codon 324 of the TMEM43 protein (p.Asn324Asp). The asparagine residue is moderately conserved and there is a small physicochemical difference between asparagine and aspartic acid. In summary, the available evidence is currently insufficient to determine the role of this variant in disease. Therefore, it has been classified as a Variant of Uncertain Significance. Algorithms developed to predict the effect of missense changes on protein structure and function (SIFT, PolyPhen-2, Align-GVGD) all suggest that this variant is likely to be tolerated, but these predictions have not been confirmed by published functional studies and their clinical significance is uncertain. This variant has not been reported in the literature in individuals with TMEM43-related conditions.